The following is an entry in ClinVar:

ClinVar aggregate classification (germline): Conflicting classifications of pathogenicity. Review status: criteria provided, conflicting classifications (1 of 4 stars). 5 submissions from 5 submitters: Likely pathogenic (1); Uncertain significance (3). 1 of the submissions does not count toward it. Last evaluated 2025-11-05.

Conditions:
Cardiomyopathy, dilated, 1MM (CMD1MM). Identifiers: MedGen C3809346, MONDO:0800368.
Cardiovascular phenotype. Identifiers: MedGen CN230736.
Cardiomyopathy (CMYO). Also called: Cardiomyopathies. Identifiers: Orphanet 167848, MedGen C0878544, MONDO:0004994, HP:0001638. Inheritance: Various modes of inheritance.
Hypertrophic cardiomyopathy. Also called: HYPERTROPHIC MYOCARDIOPATHY. Identifiers: Orphanet 217569, MedGen C0007194, MeSH D002312, MONDO:0005045, HP:0001639.

Submissions (5):

Color Diagnostics, LLC DBA Color Health
Classification: Uncertain significance for Cardiomyopathy. Last evaluated: 2025-11-05. Review status: criteria provided, single submitter. Criteria: ACMG Guidelines, 2015. Collection method: clinical testing. Allele origin: germline.
Comment: This missense variant replaces cysteine with phenylalanine at codon 1264 of the MYBPC3 protein. Computational prediction suggests that this variant may not impact protein structure and function. To our knowledge, functional studies have not been reported for this variant. This variant has been reported in two individuals affected with hypertrophic cardiomyopathy (PMID: 29121657, 32841044) and in an individual affected with familial dilated cardiomyopathy (PMID: 20215591). This variant has not been identified in the general population by the Genome Aggregation Database (gnomAD). The available evidence is insufficient to determine the role of this variant in disease conclusively. Therefore, this variant is classified as a Variant of Uncertain Significance.

Ambry Genetics
Classification: Uncertain significance for Cardiovascular phenotype. Last evaluated: 2024-11-06. Review status: criteria provided, single submitter. Criteria: Ambry Variant Classification Scheme 2023. Collection method: clinical testing. Allele origin: germline.
Comment: The p.C1264F variant (also known as c.3791G>T), located in coding exon 33 of the MYBPC3 gene, results from a G to T substitution at nucleotide position 3791. The cysteine at codon 1264 is replaced by phenylalanine, an amino acid with highly dissimilar properties. This variant has been identified in individuals with dilated cardiomyopathy (DCM) (Hershberger RE et al. Circ Cardiovasc Genet, 2010 Apr;3:155-61) and hypertrophic cardiomyopathy (HCM) (Viswanathan SK et al. PLoS ONE, 2017 Nov;12:e0187948). This amino acid position is not well conserved in available vertebrate species. In addition, the in silico prediction for this alteration is inconclusive. Since supporting evidence is limited at this time, the clinical significance of this alteration remains unclear.

Labcorp Genetics (formerly Invitae), Labcorp
Classification: Uncertain significance for Hypertrophic cardiomyopathy. Last evaluated: 2024-10-05. Review status: criteria provided, single submitter. Criteria: Invitae Variant Classification Sherloc (09022015). Collection method: clinical testing. Allele origin: germline.
Comment: This sequence change replaces cysteine, which is neutral and slightly polar, with phenylalanine, which is neutral and non-polar, at codon 1264 of the MYBPC3 protein (p.Cys1264Phe). This variant is not present in population databases (gnomAD no frequency). This missense change has been observed in individual(s) with dilated cardiomyopathy and/or hypertrophic cardiomyopathy (PMID: 20215591, 29121657, 33782553). ClinVar contains an entry for this variant (Variation ID: 64613). An algorithm developed to predict the effect of missense changes on protein structure and function (PolyPhen-2) suggests that this variant is likely to be disruptive. In summary, the available evidence is currently insufficient to determine the role of this variant in disease. Therefore, it has been classified as a Variant of Uncertain Significance.

GeneDx
Classification: Likely pathogenic. Last evaluated: 2014-03-30. Review status: criteria provided, single submitter. Criteria: GeneDx Variant Classification (06012015). Collection method: clinical testing. Allele origin: germline. Affected: yes.
Comment: p.Cys1264Phe (TGT>TTT): c.3791 G>T in exon 33 of the MYBPC3 gene (NM_000256.3). A published missense variant that is likely pathogenic was identified in the MYBPC3 gene. The C1264F variant in the MYBPC3 gene has been reported previously in association with familial dilated cardiomyopathy (DCM) (Hershberger R et al, 2010). Hershberger et al. (2010) identified C1264F in two related individuals with cardiomyopathy, which was absent in 246 control samples, and classified this variant as likely disease-causing. Additionally, the C1264F variant was not observed in approximately 6,200 individuals of European and African American ancestry in the NHLBI Exome Sequencing Project, indicating it is not a common benign variant in these populations. Furthermore, C1264F results in a non-conservative amino acid substitution, which is likely to impact secondary protein structure as these residues differ in polarity, charge, size and/or other properties. This substitution occurs at a position that is conserved across species. Mutations in surrounding residues (E1265V, C1266R, E1266Y) have been reported in association with cardiomyopathy, further supporting the functional importance of this region of the protein. Nevertheless, in silico analysis is inconsistent in its predictions as to whether or not the variant is damaging to the protein structure/function. Therefore, this variant is a strong candidate for a pathogenic mutation, however the possibility that it is a benign variant cannot be excluded. Mutations in the MYBPC3 gene have been reported in 20%-30% of patients with autosomal dominant familial hypertrophic cardiomyopathy, and have been reported less frequently in patients with autosomal dominant familial dilated cardiomyopathy (CirinoA et al., 2011; Hershberger R et al., 2009). The variant is found in HCM panel(s).

OMIM
Classification: Pathogenic for CARDIOMYOPATHY, DILATED, 1MM. Last evaluated: 2010-04-01. Review status: no assertion criteria provided. Collection method: literature only. Allele origin: germline. Not counted in ClinVar's aggregate classification.

Literature cited by the submitters: PubMed 20215591 (cited by 4 submitters); PubMed 29121657 (cited by 3 submitters); PubMed 32841044 (cited by Color Diagnostics, LLC DBA Color Health and Ambry Genetics); PubMed 33782553 (cited by Labcorp Genetics (formerly Invitae), Labcorp).

NM_000256.3(MYBPC3):c.3791G>T (p.Cys1264Phe)

Gene: MYBPC3 (myosin binding protein C3; minus strand). Cytogenetic location: 11p11.2.
Variant type: single nucleotide variant.
Coding change: c.3791G>T on transcript NM_000256.3 (MANE Select); coding-DNA position 3791, G replaced by T.
Protein change: p.Cys1264Phe; replaces cysteine 1264 with phenylalanine.
Molecular consequence: missense variant.
Genome position (GRCh38, 1-based): chr11:47,332,095, C>A on the plus strand (G>T on the coding strand, the complement: MYBPC3 is on the minus strand). VCF-style: chr11-47332095-C-A. GRCh37 (hg19) VCF-style: chr11-47353646-C-A.
Other names: p.C1264F:TGT>TTT; c.3791G>T, p.Cys1264Phe (LRG_386t1); short protein forms C1264F.
Identifiers: ClinVar variation 64613 (VCV000064613.8), dbSNP rs397514751, ClinGen allele CA014908.
Genomic context (GRCh38, chr11:47,332,095, plus strand): 5'-TCCCATCTCCCAGGCCCTGGCCCCGAGGGCTCCTCACCTCGCACCTCCAGGCGGCACTCA[C>A]ACCGTGCCTCGCCCTGTAAGTTGGTGGCCCTGCAGACATAGATGCCCCCGTCAAAGGGGC-3'
Protein context (NP_000247.2, residues 1254-1274): RATNLQGEAR[Cys1264Phe]ECRLEVRVPQ